The following is an entry in ClinVar:

NM_006231.4(POLE):c.2912T>C (p.Phe971Ser)

Gene: POLE (DNA polymerase epsilon, catalytic subunit; minus strand). Cytogenetic location: 12q24.33.
Variant type: single nucleotide variant.
Coding change: c.2912T>C on transcript NM_006231.4 (MANE Select); coding-DNA position 2912, T replaced by C.
Protein change: p.Phe971Ser; replaces phenylalanine 971 with serine.
Molecular consequence: missense variant.
Genome position (GRCh38, 1-based): chr12:132,661,117, A>G on the plus strand (T>C on the coding strand, the complement: POLE is on the minus strand). VCF-style: chr12-132661117-A-G. GRCh37 (hg19) VCF-style: chr12-133237703-A-G.
Other names: short protein forms F971S.
Identifiers: ClinVar variation 839039 (VCV000839039.9), dbSNP rs2042670780, ClinGen allele CA387392735.

ClinVar aggregate classification (germline): Uncertain significance (1 of 4 stars; one submission).

Submission:

Labcorp Genetics (formerly Invitae), Labcorp
Classification: Uncertain significance. Last evaluated: 2020-09-09. Review status: criteria provided, single submitter. Criteria: Invitae Variant Classification Sherloc (09022015). Collection method: clinical testing. Allele origin: germline.
Comment: This sequence change replaces phenylalanine with serine at codon 971 of the POLE protein (p.Phe971Ser). The phenylalanine residue is highly conserved and there is a large physicochemical difference between phenylalanine and serine. This variant is not present in population databases (ExAC no frequency). This variant has not been reported in the literature in individuals with POLE-related conditions. Algorithms developed to predict the effect of missense changes on protein structure and function (SIFT, PolyPhen-2, Align-GVGD) all suggest that this variant is likely to be disruptive, but these predictions have not been confirmed by published functional studies and their clinical significance is uncertain. In summary, the available evidence is currently insufficient to determine the role of this variant in disease. Therefore, it has been classified as a Variant of Uncertain Significance.